The following is an entry in ClinVar:

ClinVar aggregate classification (germline): Uncertain significance (1 of 4 stars; one submission).

Conditions:
Autosomal recessive limb-girdle muscular dystrophy type 2U. Also called: MUSCULAR DYSTROPHY, LIMB-GIRDLE, TYPE 2U; Muscular dystrophy-dystroglycanopathy (limb-girdle), type c, 7. Identifiers: Orphanet 352479, MedGen C5190987, MONDO:0014474, OMIM 616052.
Muscular dystrophy-dystroglycanopathy (congenital with brain and eye anomalies), type A, 7. Also called: WALKER-WARBURG SYNDROME OR MUSCLE-EYE-BRAIN DISEASE, ISPD-RELATED; Congenital muscular dystrophy-dystroglycanopathy with brain and eye anomalies, type A7. Identifiers: Orphanet 899, MedGen C3553330, MONDO:0013835, OMIM 614643.

Submission:

Labcorp Genetics (formerly Invitae), Labcorp
Classification: Uncertain significance for Muscular dystrophy-dystroglycanopathy (congenital with brain and eye anomalies), type A, 7; Autosomal recessive limb-girdle muscular dystrophy type 2U. Last evaluated: 2022-08-09. Review status: criteria provided, single submitter. Criteria: Invitae Variant Classification Sherloc (09022015). Collection method: clinical testing. Allele origin: germline.
Comment: This sequence change replaces valine, which is neutral and non-polar, with alanine, which is neutral and non-polar, at codon 371 of the ISPD protein (p.Val371Ala). In summary, the available evidence is currently insufficient to determine the role of this variant in disease. Therefore, it has been classified as a Variant of Uncertain Significance. Algorithms developed to predict the effect of missense changes on protein structure and function are either unavailable or do not agree on the potential impact of this missense change (SIFT: "Deleterious"; PolyPhen-2: "Possibly Damaging"; Align-GVGD: "Class C0"). This variant has not been reported in the literature in individuals affected with ISPD-related conditions. This variant is not present in population databases (gnomAD no frequency).

NM_001101426.4(CRPPA):c.1112T>C (p.Val371Ala)

Genes: CRPPA (CDP-L-ribitol pyrophosphorylase A; minus strand), CRPPA-AS1 (CRPPA antisense RNA 1; plus strand). Cytogenetic location: 7p21.2.
Variant type: single nucleotide variant.
Coding change: c.1112T>C on transcript NM_001101426.4 (MANE Select); coding-DNA position 1112, T replaced by C.
Protein change: p.Val371Ala; replaces valine 371 with alanine.
Molecular consequence: missense variant. On other transcripts: non-coding transcript variant (1).
Genome position (GRCh38, 1-based): chr7:16,258,397, A>G on the plus strand (T>C on the coding strand, the complement: CRPPA is on the minus strand). VCF-style: chr7-16258397-A-G. GRCh37 (hg19) VCF-style: chr7-16298022-A-G.
Other names: c.962T>C, p.Val321Ala (NM_001101417.4); c.1007T>C, p.Val336Ala (NM_001368197.1); short protein forms V371A, V336A, V321A.
Identifiers: ClinVar variation 2172733 (VCV002172733.4), dbSNP rs2546639338, ClinGen allele CA367000484.